The following is an entry in ClinVar:

ClinVar aggregate classification (germline): Uncertain significance. Review status: criteria provided, multiple submitters, no conflicts (2 of 4 stars). 2 submissions from 2 submitters: Uncertain significance (2). Last evaluated 2025-12-06.

Conditions:
Idiopathic Pulmonary Fibrosis. Also called: Idiopathic fibrosing alveolitis, chronic form; idiopathic fibrosing alveolitis. Identifiers: Orphanet 2032, MedGen C1800706, MeSH D054990, MONDO:0800504.
Dyskeratosis congenita, autosomal dominant 2. Identifiers: MedGen C3151443, MONDO:0013521, OMIM 613989.
Dyskeratosis congenita. Identifiers: Orphanet 1775, MedGen C0265965, MONDO:0015780.

Submissions (2):

Ambry Genetics
Classification: Uncertain significance for Dyskeratosis congenita. Last evaluated: 2025-12-06. Review status: criteria provided, single submitter. Criteria: Ambry Variant Classification Scheme 2023. Collection method: clinical testing. Allele origin: germline.
Comment: The p.P275L variant (also known as c.824C>T), located in coding exon 2 of the TERT gene, results from a C to T substitution at nucleotide position 824. The proline at codon 275 is replaced by leucine, an amino acid with similar properties. This amino acid position is conserved. In addition, this alteration is predicted to be tolerated by in silico analysis. Based on the available evidence, the clinical significance of this variant remains unclear.

Labcorp Genetics (formerly Invitae), Labcorp
Classification: Uncertain significance for Dyskeratosis congenita, autosomal dominant 2; Idiopathic Pulmonary Fibrosis. Last evaluated: 2022-12-16. Review status: criteria provided, single submitter. Criteria: Invitae Variant Classification Sherloc (09022015). Collection method: clinical testing. Allele origin: germline.
Comment: In summary, the available evidence is currently insufficient to determine the role of this variant in disease. Therefore, it has been classified as a Variant of Uncertain Significance. Algorithms developed to predict the effect of missense changes on protein structure and function output the following: SIFT: "Tolerated"; PolyPhen-2: "Benign"; Align-GVGD: "Class C0". The leucine amino acid residue is found in multiple mammalian species, which suggests that this missense change does not adversely affect protein function. ClinVar contains an entry for this variant (Variation ID: 949470). This variant has not been reported in the literature in individuals affected with TERT-related conditions. This variant is not present in population databases (gnomAD no frequency). This sequence change replaces proline, which is neutral and non-polar, with leucine, which is neutral and non-polar, at codon 275 of the TERT protein (p.Pro275Leu).

NM_198253.3(TERT):c.824C>T (p.Pro275Leu)

Gene: TERT (telomerase reverse transcriptase; minus strand). Cytogenetic location: 5p15.33.
Variant type: single nucleotide variant.
Coding change: c.824C>T on transcript NM_198253.3 (MANE Select); coding-DNA position 824, C replaced by T.
Protein change: p.Pro275Leu; replaces proline 275 with leucine.
Molecular consequence: missense variant. On other transcripts: non-coding transcript variant (2).
Genome position (GRCh38, 1-based): chr5:1,294,062, G>A on the plus strand (C>T on the coding strand, the complement: TERT is on the minus strand). VCF-style: chr5-1294062-G-A. GRCh37 (hg19) VCF-style: chr5-1294177-G-A.
Other names: c.824C>T, p.Pro275Leu (NM_001193376.3); short protein forms P275L.
Identifiers: ClinVar variation 949470 (VCV000949470.9), dbSNP rs1751200027, ClinGen allele CA359056621.